The following is an entry in ClinVar:

NM_014915.3(ANKRD26):c.2158A>G (p.Lys720Glu)

Gene: ANKRD26 (ankyrin repeat domain 26; minus strand). Cytogenetic location: 10p12.1.
Variant type: single nucleotide variant.
Coding change: c.2158A>G on transcript NM_014915.3 (MANE Select); coding-DNA position 2158, A replaced by G.
Protein change: p.Lys720Glu; replaces lysine 720 with glutamic acid.
Molecular consequence: missense variant.
Genome position (GRCh38, 1-based): chr10:27,043,429, T>C on the plus strand (A>G on the coding strand, the complement: ANKRD26 is on the minus strand). VCF-style: chr10-27043429-T-C. GRCh37 (hg19) VCF-style: chr10-27332358-T-C.
Other names: c.2155A>G, p.Lys719Glu (NM_001256053.2); short protein forms K720E, K719E.
Identifiers: ClinVar variation 3708883 (VCV003708883.3).

ClinVar aggregate classification (germline): Uncertain significance. Review status: criteria provided, multiple submitters, no conflicts (2 of 4 stars). 2 submissions from 2 submitters: Uncertain significance (2). Last evaluated 2025-06-17.

Conditions:
Inborn genetic diseases. Identifiers: MedGen C0950123, MeSH D030342.

gnomAD v4.1: 5 of 1,613,900 alleles (0.00031%); highest among the groups gnomAD compares: Middle Eastern, 0.016%; no homozygotes.

Submissions (2):

Labcorp Genetics (formerly Invitae), Labcorp
Classification: Uncertain significance. Last evaluated: 2025-06-17. Review status: criteria provided, single submitter. Criteria: Invitae Variant Classification Sherloc (09022015). Collection method: clinical testing. Allele origin: germline.
Comment: This sequence change replaces lysine, which is basic and polar, with glutamic acid, which is acidic and polar, at codon 720 of the ANKRD26 protein (p.Lys720Glu). This variant is present in population databases (rs755382486, gnomAD 0.03%). This variant has not been reported in the literature in individuals affected with ANKRD26-related conditions. ClinVar contains an entry for this variant (Variation ID: 3708883). An algorithm developed to predict the effect of missense changes on protein structure and function (PolyPhen-2) suggests that this variant is likely to be tolerated. In summary, the available evidence is currently insufficient to determine the role of this variant in disease. Therefore, it has been classified as a Variant of Uncertain Significance.

Ambry Genetics
Classification: Uncertain significance for Inborn genetic diseases. Last evaluated: 2025-02-22. Review status: criteria provided, single submitter. Criteria: Ambry Variant Classification Scheme 2023. Collection method: clinical testing. Allele origin: germline.
Comment: The p.K720E variant (also known as c.2158A>G), located in coding exon 20 of the ANKRD26 gene, results from an A to G substitution at nucleotide position 2158. The lysine at codon 720 is replaced by glutamic acid, an amino acid with similar properties. This amino acid position is conserved. In addition, this alteration is predicted to be tolerated by in silico analysis. Based on the available evidence, the clinical significance of this variant remains unclear.